The following is an entry in ClinVar:

ClinVar aggregate classification (germline): Likely benign. Review status: criteria provided, multiple submitters, no conflicts (2 of 4 stars). 3 submissions from 3 submitters: Likely benign (3). Last evaluated 2026-07-01.

Conditions:
Hereditary cancer-predisposing syndrome. Also called: Neoplastic Syndromes, Hereditary; Tumor predisposition; Hereditary neoplastic syndrome; Hereditary Cancer Syndrome. Identifiers: Orphanet 140162, MedGen C0027672, MeSH D009386, MONDO:0015356.
Gorlin syndrome. Also called: Basal cell nevus syndrome; Nevoid Basal Cell Carcinoma Syndrome. Identifiers: Orphanet 377, MedGen C0004779, MONDO:0007187.

Allele frequency attached by ClinVar (database versions not stated): gnomAD exomes below 0.00001.
gnomAD v4.1: 2 of 1,614,108 alleles (0.00012%); highest among the groups gnomAD compares: Admixed American, 0.0033%; no homozygotes.

Submissions (3):

CeGaT Center for Human Genetics Tuebingen
Classification: Likely benign. Last evaluated: 2026-07-01. Review status: criteria provided, single submitter. Criteria: CeGaT Center For Human Genetics Tuebingen Variant Classification Criteria Version 2. Collection method: clinical testing. Allele origin: germline. Affected: yes. Observed: 2 variant alleles.
Comment: PTCH1: BP4, BP7

Labcorp Genetics (formerly Invitae), Labcorp
Classification: Likely benign for Gorlin syndrome. Last evaluated: 2025-12-18. Review status: criteria provided, single submitter. Criteria: Invitae Variant Classification Sherloc (09022015). Collection method: clinical testing. Allele origin: germline.

Ambry Genetics
Classification: Likely benign for Hereditary cancer-predisposing syndrome. Last evaluated: 2021-05-13. Review status: criteria provided, single submitter. Criteria: Ambry Variant Classification Scheme 2023. Collection method: clinical testing. Allele origin: germline.

NM_000264.5(PTCH1):c.564C>G (p.Val188=)

Gene: PTCH1 (patched 1; minus strand). Cytogenetic location: 9q22.32.
Variant type: single nucleotide variant.
Coding change: c.564C>G on transcript NM_000264.5 (MANE Select); coding-DNA position 564, C replaced by G.
Protein change: p.Val188=; no amino-acid change (valine 188 retained).
Molecular consequence: synonymous variant. On other transcripts: non-coding transcript variant (1).
Genome position (GRCh38, 1-based): chr9:95,485,705, G>C on the plus strand (C>G on the coding strand, the complement: PTCH1 is on the minus strand). VCF-style: chr9-95485705-G-C. GRCh37 (hg19) VCF-style: chr9-98247987-G-C.
Other names: c.111C>G, p.Val37= (NM_001083605.3, NM_001083606.3, NM_001083607.3 and 1 more transcripts); c.564C>G, p.Val188= (NM_001354918.2); c.366C>G, p.Val122= (NM_001354919.2, NM_001083602.3); c.561C>G, p.Val187= (NM_001083603.3).
Identifiers: ClinVar variation 1117165 (VCV001117165.21), dbSNP rs963079015, ClinGen allele CA196536875.